The following is an entry in ClinVar:

NM_001330078.2(NRXN1):c.3622A>G (p.Asn1208Asp)

Gene: NRXN1 (neurexin 1; minus strand). Cytogenetic location: 2p16.3.
Variant type: single nucleotide variant.
Coding change: c.3622A>G on transcript NM_001330078.2 (MANE Select); coding-DNA position 3622, A replaced by G.
Protein change: p.Asn1208Asp; replaces asparagine 1208 with aspartic acid.
Molecular consequence: missense variant.
Genome position (GRCh38, 1-based): chr2:50,091,419, T>C on the plus strand (A>G on the coding strand, the complement: NRXN1 is on the minus strand). VCF-style: chr2-50091419-T-C. GRCh37 (hg19) VCF-style: chr2-50318557-T-C.
Other names: c.3742A>G, p.Asn1248Asp (NM_001135659.3); c.3598A>G, p.Asn1200Asp (NM_001330077.2, NM_001330082.2); c.3556A>G, p.Asn1186Asp (NM_001330083.2, NM_001330084.2); c.3595A>G, p.Asn1199Asp (NM_001330085.2); c.3622A>G, p.Asn1208Asp (NM_001330086.2, NM_004801.6); c.3511A>G, p.Asn1171Asp (NM_001330087.2, NM_001330096.2); c.3541A>G, p.Asn1181Asp (NM_001330088.2); c.517A>G, p.Asn173Asp (NM_001330091.2, NM_001330092.2, NM_001330097.2 and 1 more transcripts); and 3 more; short protein forms N1171D, N1199D, N173D, N1186D, N1200D, N1204D, N1248D, N1181D.
Identifiers: ClinVar variation 2089371 (VCV002089371.1), dbSNP rs2468069658, ClinGen allele CA346819152.

ClinVar aggregate classification (germline): Uncertain significance (1 of 4 stars; one submission).

Conditions:
Pitt-Hopkins-like syndrome 2 (PTHSL2). Identifiers: Orphanet 221150, Orphanet 600663, MedGen C3280479, MONDO:0013690, OMIM 614325.

Allele frequency attached by ClinVar (database versions not stated): gnomAD exomes below 0.00001.
gnomAD v4.1: 1 of 1,614,258 alleles (0.000062%); highest among the groups gnomAD compares: Non-Finnish European, 0.000085%; no homozygotes.

Submission:

Labcorp Genetics (formerly Invitae), Labcorp
Classification: Uncertain significance for Pitt-Hopkins-like syndrome 2. Last evaluated: 2022-01-24. Review status: criteria provided, single submitter. Criteria: Invitae Variant Classification Sherloc (09022015). Collection method: clinical testing. Allele origin: germline.
Comment: This sequence change replaces asparagine, which is neutral and polar, with aspartic acid, which is acidic and polar, at codon 1248 of the NRXN1 protein (p.Asn1248Asp). This variant is not present in population databases (gnomAD no frequency). This variant has not been reported in the literature in individuals affected with NRXN1-related conditions. Algorithms developed to predict the effect of missense changes on protein structure and function are either unavailable or do not agree on the potential impact of this missense change (SIFT: "Deleterious"; PolyPhen-2: "Probably Damaging"; Align-GVGD: "Class C15"). In summary, the available evidence is currently insufficient to determine the role of this variant in disease. Therefore, it has been classified as a Variant of Uncertain Significance.